The following is an entry in ClinVar:

ClinVar aggregate classification (germline): Uncertain significance (1 of 4 stars; one submission).

Submission:

Labcorp Genetics (formerly Invitae), Labcorp
Classification: Uncertain significance. Last evaluated: 2022-05-31. Review status: criteria provided, single submitter. Criteria: Invitae Variant Classification Sherloc (09022015). Collection method: clinical testing. Allele origin: germline.
Comment: This variant results in a copy number gain of the genomic region encompassing exon(s) 32 of the EYS gene. While the exact position of this variant cannot be determined from the data, sub-genic copy number gains are generally in tandem (PMID: 25640679). This variant is predicted to be in-frame, and likely preserves the integrity of the reading frame. This variant has not been reported in the literature in individuals affected with EYS-related conditions. Experimental studies and prediction algorithms are not available or were not evaluated, and the functional significance of this variant is currently unknown. In summary, the available evidence is currently insufficient to determine the role of this variant in disease. Therefore, it has been classified as a Variant of Uncertain Significance.

Literature cited by the submitters: PubMed 25640679.

NC_000006.11:g.(?_64791729)_(64791915_?)dup

Gene: EYS (eyes shut homolog; minus strand). Cytogenetic location: 6q12.
Variant type: Duplication.
Identifiers: ClinVar variation 1373689 (VCV001373689.2).